The following is an entry in ClinVar:

ClinVar aggregate classification (germline): Uncertain significance (1 of 4 stars; one submission).

Conditions:
CEP290-related disorder. Also called: CEP290-related condition; CEP290-related disorders. Identifiers: MedGen CN239314.

Submission:

PreventionGenetics, part of Exact Sciences
Classification: Uncertain significance for CEP290-related condition. Last evaluated: 2025-11-19. Review status: criteria provided, single submitter. Criteria: ACMG Guidelines, 2015. Collection method: clinical testing. Allele origin: germline.
Comment: The CEP290 c.7169C>A variant is predicted to result in the amino acid substitution p.Thr2390Lys. To our knowledge, this variant has not been reported in the literature or in a large population database (gnomAD), indicating this variant is rare. At this time, the clinical significance of this variant is uncertain due to the absence of conclusive functional and genetic evidence.

NM_025114.4(CEP290):c.7169C>A (p.Thr2390Lys)

Gene: CEP290 (centrosomal protein 290; minus strand). Cytogenetic location: 12q21.32.
Variant type: single nucleotide variant.
Coding change: c.7169C>A on transcript NM_025114.4 (MANE Select); coding-DNA position 7169, C replaced by A.
Protein change: p.Thr2390Lys; replaces threonine 2390 with lysine.
Molecular consequence: missense variant.
Genome position (GRCh38, 1-based): chr12:88,050,394, G>T on the plus strand (C>A on the coding strand, the complement: CEP290 is on the minus strand). VCF-style: chr12-88050394-G-T. GRCh37 (hg19) VCF-style: chr12-88444171-G-T.
Other names: short protein forms T2390K.
Identifiers: ClinVar variation 4992127 (VCV004992127.1).